The following is an entry in ClinVar:

ClinVar aggregate classification (germline): Uncertain significance. Review status: criteria provided, multiple submitters, no conflicts (2 of 4 stars). 2 submissions from 2 submitters: Uncertain significance (2). Last evaluated 2025-11-08.

Conditions:
Candidiasis, familial, 8 (CANDF8). Identifiers: Orphanet 1334, MedGen C3714992, MONDO:0014230, OMIM 615527.

Allele frequency attached by ClinVar (database versions not stated): TOPMed 0.00002; 1000 Genomes Project 0.00020; 1000 Genomes Project 30x 0.00031.
gnomAD v4.1: 38 of 1,549,478 alleles (0.0025%); highest among the groups gnomAD compares: Non-Finnish European, 0.0031%; 1 homozygote.

Submissions (2):

Labcorp Genetics (formerly Invitae), Labcorp
Classification: Uncertain significance for Candidiasis, familial, 8. Last evaluated: 2025-11-08. Review status: criteria provided, single submitter. Criteria: Invitae Variant Classification Sherloc (09022015). Collection method: clinical testing. Allele origin: germline.
Comment: This sequence change replaces leucine, which is neutral and non-polar, with valine, which is neutral and non-polar, at codon 231 of the TRAF3IP2 protein (p.Leu231Val). This variant is present in population databases (rs149860754, gnomAD 0.005%). This variant has not been reported in the literature in individuals affected with TRAF3IP2-related conditions. ClinVar contains an entry for this variant (Variation ID: 957805). Invitae Evidence Modeling of protein sequence and biophysical properties (such as structural, functional, and spatial information, amino acid conservation, physicochemical variation, residue mobility, and thermodynamic stability) has been performed for this missense variant. However, the output from this modeling did not meet the statistical confidence thresholds required to predict the impact of this variant on TRAF3IP2 protein function. In summary, the available evidence is currently insufficient to determine the role of this variant in disease. Therefore, it has been classified as a Variant of Uncertain Significance.

Ambry Genetics
Classification: Uncertain significance. Last evaluated: 2025-10-24. Review status: criteria provided, single submitter. Criteria: Ambry Variant Classification Scheme 2023. Collection method: clinical testing. Allele origin: germline.

NM_147686.4(TRAF3IP2):c.691C>G (p.Leu231Val)

Genes: TRAF3IP2 (TRAF3 interacting protein 2; minus strand), TRAF3IP2-AS1 (TRAF3IP2 antisense RNA 1; plus strand), LOC114803478 (TRAF3IP2 eExon liver enhancer; plus strand). Cytogenetic location: 6q21.
Variant type: single nucleotide variant.
Coding change: c.691C>G on transcript NM_147686.4 (MANE Select); coding-DNA position 691, C replaced by G.
Protein change: p.Leu231Val; replaces leucine 231 with valine.
Molecular consequence: missense variant.
Genome position (GRCh38, 1-based): chr6:111,591,396, G>C on the plus strand (C>G on the coding strand, the complement: TRAF3IP2 is on the minus strand). VCF-style: chr6-111591396-G-C. GRCh37 (hg19) VCF-style: chr6-111912599-G-C.
Other names: c.691C>G, p.Leu231Val (NM_001164281.3); c.718C>G, p.Leu240Val (NM_147200.3); c.691C>G (NM_147686.2); short protein forms L231V, L240V.
Identifiers: ClinVar variation 957805 (VCV000957805.12), dbSNP rs149860754, ClinGen allele CA3963277.